The following is an entry in ClinVar:

NM_000256.3(MYBPC3):c.506-10G>T

Gene: MYBPC3 (myosin binding protein C3; minus strand). Cytogenetic location: 11p11.2.
Variant type: single nucleotide variant.
Coding change: c.506-10G>T on transcript NM_000256.3 (MANE Select); 10 bases into the intron before coding-DNA position 506, G replaced by T.
Molecular consequence: intron variant.
Genome position (GRCh38, 1-based): chr11:47,349,932, C>A on the plus strand (G>T on the coding strand, the complement: MYBPC3 is on the minus strand). VCF-style: chr11-47349932-C-A. GRCh37 (hg19) VCF-style: chr11-47371483-C-A.
Identifiers: ClinVar variation 3072321 (VCV003072321.1), dbSNP rs781360798, ClinGen allele CA055689.

ClinVar aggregate classification (germline): Likely benign (1 of 4 stars; one submission).

Conditions:
Hypertrophic cardiomyopathy. Also called: HYPERTROPHIC MYOCARDIOPATHY. Identifiers: Orphanet 217569, MedGen C0007194, MeSH D002312, MONDO:0005045, HP:0001639.

Allele frequency attached by ClinVar (database versions not stated): gnomAD exomes 0.00001; ExAC 0.00004; gnomAD 0.00008.
gnomAD v4.1: 14 of 1,531,086 alleles (0.00091%); highest among the groups gnomAD compares: Admixed American, 0.014%; no homozygotes.

Submission:

All of Us Research Program, National Institutes of Health
Classification: Likely benign for Hypertrophic cardiomyopathy. Last evaluated: 2023-07-10. Review status: criteria provided, single submitter. Criteria: ACMG Guidelines, 2015. Collection method: clinical testing. Allele origin: germline. Inheritance: Autosomal dominant inheritance. Observed: 1 variant allele, 1 heterozygote.
Comment: This study involves interpretation of variants in research participants for the purpose of population health screening. Participant phenotype was not available at the time of variant classification. Additional details can be found in publication PMID: 35346344, PMCID: PMC8962531